The following is an entry in ClinVar:

NM_198578.4(LRRK2):c.304C>A (p.Pro102Thr)

Gene: LRRK2 (leucine rich repeat kinase 2; plus strand). Cytogenetic location: 12q12.
Variant type: single nucleotide variant.
Coding change: c.304C>A on transcript NM_198578.4 (MANE Select); coding-DNA position 304, C replaced by A.
Protein change: p.Pro102Thr; replaces proline 102 with threonine.
Molecular consequence: missense variant.
Genome position (GRCh38, 1-based): chr12:40,232,340, C>A. VCF-style: chr12-40232340-C-A. GRCh37 (hg19) VCF-style: chr12-40626142-C-A.
Other names: short protein forms P102T.
Identifiers: ClinVar variation 2587242 (VCV002587242.2), dbSNP rs2499381634, ClinGen allele CA384401578.

ClinVar aggregate classification (germline): Uncertain significance (1 of 4 stars; one submission).

Conditions:
Inborn genetic diseases. Identifiers: MedGen C0950123, MeSH D030342.

Submission:

Ambry Genetics
Classification: Uncertain significance for Inborn genetic diseases. Last evaluated: 2023-06-25. Review status: criteria provided, single submitter. Criteria: Ambry Variant Classification Scheme 2023. Collection method: clinical testing. Allele origin: germline.
Comment: The p.P102T variant (also known as c.304C>A), located in coding exon 3 of the LRRK2 gene, results from a C to A substitution at nucleotide position 304. The proline at codon 102 is replaced by threonine, an amino acid with highly similar properties. This amino acid position is conserved. In addition, the in silico prediction for this alteration is inconclusive. Since supporting evidence is limited at this time, the clinical significance of this alteration remains unclear.